The following is an entry in ClinVar:

ClinVar aggregate classification (germline): Uncertain significance (1 of 4 stars; one submission).

Conditions:
Exostoses, multiple, type 2 (EXT2). Also called: EXOSTOSES, MULTIPLE, TYPE II; Hereditary Multiple Osteochondromatosis, Type II. Identifiers: Orphanet 321, MedGen C1851413, MONDO:0007586, OMIM 133701.

Allele frequency attached by ClinVar (database versions not stated): gnomAD exomes below 0.00001 and 0.00001; gnomAD 0.00001; TOPMed 0.00001.
gnomAD v4.1: 15 of 1,613,978 alleles (0.00093%); highest among the groups gnomAD compares: Non-Finnish European, 0.0012%; no homozygotes.

Submission:

Labcorp Genetics (formerly Invitae), Labcorp
Classification: Uncertain significance for Exostoses, multiple, type 2. Last evaluated: 2025-03-17. Review status: criteria provided, single submitter. Criteria: Invitae Variant Classification Sherloc (09022015). Collection method: clinical testing. Allele origin: germline.
Comment: This sequence change replaces isoleucine, which is neutral and non-polar, with valine, which is neutral and non-polar, at codon 424 of the EXT2 protein (p.Ile424Val). This variant is present in population databases (no rsID available, gnomAD 0.0009%). This variant has not been reported in the literature in individuals affected with EXT2-related conditions. ClinVar contains an entry for this variant (Variation ID: 1445566). Invitae Evidence Modeling of protein sequence and biophysical properties (such as structural, functional, and spatial information, amino acid conservation, physicochemical variation, residue mobility, and thermodynamic stability) indicates that this missense variant is not expected to disrupt EXT2 protein function with a negative predictive value of 95%. In summary, the available evidence is currently insufficient to determine the role of this variant in disease. Therefore, it has been classified as a Variant of Uncertain Significance.

NM_207122.2(EXT2):c.1270A>G (p.Ile424Val)

Gene: EXT2 (exostosin glycosyltransferase 2; plus strand). Cytogenetic location: 11p11.2.
Variant type: single nucleotide variant.
Coding change: c.1270A>G on transcript NM_207122.2 (MANE Select); coding-DNA position 1270, A replaced by G.
Protein change: p.Ile424Val; replaces isoleucine 424 with valine.
Molecular consequence: missense variant.
Genome position (GRCh38, 1-based): chr11:44,171,707, A>G. VCF-style: chr11-44171707-A-G. GRCh37 (hg19) VCF-style: chr11-44193257-A-G.
Other names: c.1369A>G, p.Ile457Val (NM_000401.3); c.1300A>G, p.Ile434Val (NM_001178083.3); c.1270A>G, p.Ile424Val (NM_001389628.1, NM_001389630.1); short protein forms I424V, I434V, I457V.
Identifiers: ClinVar variation 1445566 (VCV001445566.6), dbSNP rs1473876438, ClinGen allele CA380175530.